The following is an entry in ClinVar:

ClinVar aggregate classification (germline): Benign (1 of 4 stars; one submission).

Conditions:
Familial cancer of breast. Also called: BREAST CANCER, FAMILIAL; Hereditary breast cancer; hereditary breast carcinoma. Identifiers: Orphanet 227535, MedGen C0346153, MONDO:0016419, OMIM 114480. Disease mechanism: loss of function.

Allele frequency attached by ClinVar (database versions not stated): TOPMed below 0.00001.

Submission:

Myriad Genetics, Inc.
Classification: Benign for Familial cancer of breast. Last evaluated: 2024-05-20. Review status: criteria provided, single submitter. Criteria: Myriad Autosomal Dominant, Autosomal Recessive and X-Linked Classification Criteria (2023). Collection method: clinical testing. Allele origin: unknown.
Comment: This variant is considered benign. This variant is a silent/synonymous amino acid change and it is not expected to impact splicing.

NM_000051.4(ATM):c.4533T>C (p.Asp1511=)

Gene: ATM (ATM serine/threonine kinase; plus strand). Cytogenetic location: 11q22.3.
Variant type: single nucleotide variant.
Coding change: c.4533T>C on transcript NM_000051.4 (MANE Select); coding-DNA position 4533, T replaced by C.
Protein change: p.Asp1511=; no amino-acid change (aspartic acid 1511 retained).
Molecular consequence: synonymous variant.
Genome position (GRCh38, 1-based): chr11:108,292,715, T>C. VCF-style: chr11-108292715-T-C. GRCh37 (hg19) VCF-style: chr11-108163442-T-C.
Other names: c.4533T>C, p.Asp1511= (NM_001351834.2).
Identifiers: ClinVar variation 3254064 (VCV003254064.1), dbSNP rs2082866703.